The following is an entry in ClinVar:

ClinVar aggregate classification (germline): Uncertain significance. Review status: criteria provided, multiple submitters, no conflicts (2 of 4 stars). 2 submissions from 2 submitters: Uncertain significance (2). Last evaluated 2024-03-15.

Conditions:
MEGF8-related Carpenter syndrome. Also called: Carpenter syndrome 2. Identifiers: Orphanet 65759, MedGen C3554247, MONDO:0013998, OMIM 614976.
Inborn genetic diseases. Identifiers: MedGen C0950123, MeSH D030342.

Allele frequency attached by ClinVar (database versions not stated): gnomAD exomes below 0.00001 and 0.00001; gnomAD 0.00001; TOPMed 0.00001.
gnomAD v4.1: 13 of 1,603,168 alleles (0.00081%); highest among the groups gnomAD compares: Middle Eastern, 0.016%; no homozygotes.

Submissions (2):

Labcorp Genetics (formerly Invitae), Labcorp
Classification: Uncertain significance for MEGF8-related Carpenter syndrome. Last evaluated: 2024-03-15. Review status: criteria provided, single submitter. Criteria: Invitae Variant Classification Sherloc (09022015). Collection method: clinical testing. Allele origin: germline.
Comment: This sequence change replaces arginine, which is basic and polar, with cysteine, which is neutral and slightly polar, at codon 1511 of the MEGF8 protein (p.Arg1511Cys). This variant is present in population databases (rs774288940, gnomAD 0.004%). This variant has not been reported in the literature in individuals affected with MEGF8-related conditions. ClinVar contains an entry for this variant (Variation ID: 1506597). An algorithm developed to predict the effect of missense changes on protein structure and function (PolyPhen-2) suggests that this variant is likely to be disruptive. In summary, the available evidence is currently insufficient to determine the role of this variant in disease. Therefore, it has been classified as a Variant of Uncertain Significance.

Ambry Genetics
Classification: Uncertain significance for Inborn genetic diseases. Last evaluated: 2022-01-18. Review status: criteria provided, single submitter. Criteria: Ambry Variant Classification Scheme 2023. Collection method: clinical testing. Allele origin: germline.

NM_001271938.2(MEGF8):c.4732C>T (p.Arg1578Cys)

Gene: MEGF8 (multiple EGF like domains 8; plus strand). Cytogenetic location: 19q13.2.
Variant type: single nucleotide variant.
Coding change: c.4732C>T on transcript NM_001271938.2 (MANE Select); coding-DNA position 4732, C replaced by T.
Protein change: p.Arg1578Cys; replaces arginine 1578 with cysteine.
Molecular consequence: missense variant.
Genome position (GRCh38, 1-based): chr19:42,356,883, C>T. VCF-style: chr19-42356883-C-T. GRCh37 (hg19) VCF-style: chr19-42861035-C-T.
Other names: c.4531C>T, p.Arg1511Cys (NM_001410.3); c.4531C>T (NM_001410.2); short protein forms R1511C, R1578C.
Identifiers: ClinVar variation 1506597 (VCV001506597.9), dbSNP rs774288940, ClinGen allele CA9475352.